The following is an entry in ClinVar:

NM_020928.2(ZSWIM6):c.2134C>G (p.Gln712Glu)

Gene: ZSWIM6 (zinc finger SWIM-type containing 6; plus strand). Cytogenetic location: 5q12.1.
Variant type: single nucleotide variant.
Coding change: c.2134C>G on transcript NM_020928.2 (MANE Select); coding-DNA position 2134, C replaced by G.
Protein change: p.Gln712Glu; replaces glutamine 712 with glutamic acid.
Molecular consequence: missense variant.
Genome position (GRCh38, 1-based): chr5:61,531,614, C>G. VCF-style: chr5-61531614-C-G. GRCh37 (hg19) VCF-style: chr5-60827441-C-G.
Other names: short protein forms Q712E.
Identifiers: ClinVar variation 1412940 (VCV001412940.8), dbSNP rs1388845181, ClinGen allele CA359944653.

ClinVar aggregate classification (germline): Uncertain significance (1 of 4 stars; one submission).

Allele frequency attached by ClinVar (database versions not stated): TOPMed below 0.00001; gnomAD exomes 0.00001 and 0.00003.
gnomAD v4.1: 4 of 1,551,658 alleles (0.00026%); highest among the groups gnomAD compares: Admixed American, 0.0078%; no homozygotes.

Submission:

Labcorp Genetics (formerly Invitae), Labcorp
Classification: Uncertain significance. Last evaluated: 2025-10-26. Review status: criteria provided, single submitter. Criteria: Invitae Variant Classification Sherloc (09022015). Collection method: clinical testing. Allele origin: germline.
Comment: This sequence change replaces glutamine, which is neutral and polar, with glutamic acid, which is acidic and polar, at codon 712 of the ZSWIM6 protein (p.Gln712Glu). This variant is present in population databases (no rsID available, gnomAD 0.008%). This variant has not been reported in the literature in individuals affected with ZSWIM6-related conditions. ClinVar contains an entry for this variant (Variation ID: 1412940). Invitae Evidence Modeling of protein sequence and biophysical properties (such as structural, functional, and spatial information, amino acid conservation, physicochemical variation, residue mobility, and thermodynamic stability) has been performed for this missense variant. However, the output from this modeling did not meet the statistical confidence thresholds required to predict the impact of this variant on ZSWIM6 protein function. In summary, the available evidence is currently insufficient to determine the role of this variant in disease. Therefore, it has been classified as a Variant of Uncertain Significance.